The following is an entry in ClinVar:

NM_004484.4(GPC3):c.1032+9C>T

Gene: GPC3 (glypican 3; minus strand). Cytogenetic location: Xq26.2.
Variant type: single nucleotide variant.
Coding change: c.1032+9C>T on transcript NM_004484.4 (MANE Select); 9 bases into the intron after coding-DNA position 1032, C replaced by T.
Molecular consequence: intron variant.
Genome position (GRCh38, 1-based): chrX:133,753,473, G>A on the plus strand (C>T on the coding strand, the complement: GPC3 is on the minus strand). VCF-style: chrX-133753473-G-A. GRCh37 (hg19) VCF-style: chrX-132887500-G-A.
Other names: p.?; c.870+9C>T (NM_001164619.2); c.984+9C>T (NM_001164618.2); c.1032+9C>T (NM_001164617.2).
Identifiers: ClinVar variation 415275 (VCV000415275.18), dbSNP rs200782847, ClinGen allele CA10520760.
Genomic context (GRCh38, chrX:133,753,473, plus strand): 5'-AGTACCTGCTACTGGCCACCTCACCCCAATAAGGCCCAAATCCTCTGACAACTGTAGACT[G>A]GTACTCACAGTGGTGGTCAGCTTTCCTGCATTCTTCTGGACATACTGGATAGAATCATGG-3'

ClinVar aggregate classification (germline): Benign/Likely benign. Review status: criteria provided, multiple submitters, no conflicts (2 of 4 stars). 7 submissions from 7 submitters: Benign (1); Likely benign (4). 2 of the submissions do not count toward it. Last evaluated 2026-05-13.

Conditions:
Wilms tumor 1 (WT1). Also called: Wilms tumor, somatic. Identifiers: Orphanet 654, MedGen CN033288, MONDO:0008679, OMIM 194070.
Simpson-Golabi-Behmel syndrome type 1 (SGBS1). Also called: BULLDOG SYNDROME; GPC3-Related Simpson-Golabi-Behmel Syndrome Type 1; DYSPLASIA GIGANTISM SYNDROME, X-LINKED; GOLABI-ROSEN SYNDROME; SIMPSON DYSMORPHIA SYNDROME. Identifiers: Orphanet 373, MedGen C0796154, MONDO:0020602, OMIM 312870.

Allele frequency attached by ClinVar (database versions not stated): gnomAD exomes 0.00065 and 0.00102; gnomAD 0.00067 and 0.00069; ExAC 0.00070; TOPMed 0.00076; ESP Exome Variant Server 0.00104.
gnomAD v4.1: 787 of 1,181,505 alleles (0.067%); highest among the groups gnomAD compares: Admixed American, 0.09%; 3 homozygotes.

Submissions (7):

Women's Health and Genetics/Laboratory Corporation of America, LabCorp
Classification: Likely benign. Last evaluated: 2026-05-13. Review status: criteria provided, single submitter. Criteria: LabCorp Variant Classification Summary - May 2015. Collection method: clinical testing. Allele origin: germline.

Labcorp Genetics (formerly Invitae), Labcorp
Classification: Benign for Wilms tumor 1. Last evaluated: 2026-02-01. Review status: criteria provided, single submitter. Criteria: Invitae Variant Classification Sherloc (09022015). Collection method: clinical testing. Allele origin: germline.

Mayo Clinic Laboratories, Mayo Clinic
Classification: Likely benign. Last evaluated: 2025-09-09. Review status: criteria provided, single submitter. Criteria: ACMG Guidelines, 2015. Collection method: clinical testing. Allele origin: germline. Observed: 1 variant allele.
Comment: BS1, BP7

Blueprint Genetics
Classification: Likely benign. Last evaluated: 2024-09-24. Review status: criteria provided, single submitter. Criteria: ACMG Guidelines, 2015. Collection method: clinical testing. Allele origin: germline.

Fulgent Genetics
Classification: Likely benign for Wilms tumor 1; Simpson-Golabi-Behmel syndrome type 1. Last evaluated: 2022-05-19. Review status: criteria provided, single submitter. Criteria: ACMG Guidelines, 2015. Collection method: clinical testing. Allele origin: unknown.

Clinical Genetics DNA and cytogenetics Diagnostics Lab, Erasmus MC, Erasmus Medical Center
Classification: Likely benign. Review status: no assertion criteria provided. Collection method: clinical testing. Allele origin: germline. Affected: yes. Study: VKGL Data-share Consensus. Not counted in ClinVar's aggregate classification.

Genome Diagnostics Laboratory, University Medical Center Utrecht
Classification: Likely benign. Review status: no assertion criteria provided. Collection method: clinical testing. Allele origin: germline. Affected: yes. Study: VKGL Data-share Consensus. Not counted in ClinVar's aggregate classification.